The following is an entry in ClinVar:

ClinVar aggregate classification (germline): Uncertain significance (1 of 4 stars; one submission).

Conditions:
Autosomal recessive limb-girdle muscular dystrophy type 2E (LGMDR4). Also called: MUSCULAR DYSTROPHY, LIMB-GIRDLE, AUTOSOMAL RECESSIVE 4. Identifiers: Orphanet 119, MedGen C1858593, MONDO:0011423, OMIM 604286. Disease mechanism: Affects gamma-sarcoglycan and also disrupts the integrity of the entire sarcoglycan complex..

Allele frequency attached by ClinVar (database versions not stated): gnomAD 0.00001; gnomAD exomes 0.00001; ExAC 0.00002; TOPMed 0.00002.
gnomAD v4.1: 10 of 1,613,656 alleles (0.00062%); highest among the groups gnomAD compares: Admixed American, 0.0083%; no homozygotes.

Submission:

Labcorp Genetics (formerly Invitae), Labcorp
Classification: Uncertain significance for Autosomal recessive limb-girdle muscular dystrophy type 2E. Last evaluated: 2022-08-09. Review status: criteria provided, single submitter. Criteria: Invitae Variant Classification Sherloc (09022015). Collection method: clinical testing. Allele origin: germline.
Comment: This sequence change replaces isoleucine, which is neutral and non-polar, with threonine, which is neutral and polar, at codon 47 of the SGCB protein (p.Ile47Thr). This variant is present in population databases (rs763102674, gnomAD 0.006%). This variant has not been reported in the literature in individuals affected with SGCB-related conditions. ClinVar contains an entry for this variant (Variation ID: 1446204). Algorithms developed to predict the effect of missense changes on protein structure and function (SIFT, PolyPhen-2, Align-GVGD) all suggest that this variant is likely to be tolerated. In summary, the available evidence is currently insufficient to determine the role of this variant in disease. Therefore, it has been classified as a Variant of Uncertain Significance.

NM_000232.5(SGCB):c.140T>C (p.Ile47Thr)

Gene: SGCB (sarcoglycan beta; minus strand). Cytogenetic location: 4q12.
Variant type: single nucleotide variant.
Coding change: c.140T>C on transcript NM_000232.5 (MANE Select); coding-DNA position 140, T replaced by C.
Protein change: p.Ile47Thr; replaces isoleucine 47 with threonine.
Molecular consequence: missense variant.
Genome position (GRCh38, 1-based): chr4:52,033,534, A>G on the plus strand (T>C on the coding strand, the complement: SGCB is on the minus strand). VCF-style: chr4-52033534-A-G. GRCh37 (hg19) VCF-style: chr4-52899700-A-G.
Other names: short protein forms I47T.
Identifiers: ClinVar variation 1446204 (VCV001446204.3), dbSNP rs763102674, ClinGen allele CA2918499.